The following is an entry in ClinVar:

ClinVar aggregate classification (germline): Uncertain significance (1 of 4 stars; one submission).

gnomAD v4.1: 2 of 1,610,714 alleles (0.00012%); highest among the groups gnomAD compares: Non-Finnish European, 0.00017%; no homozygotes.

Submission:

Ambry Genetics
Classification: Uncertain significance. Last evaluated: 2024-10-04. Review status: criteria provided, single submitter. Criteria: Ambry Variant Classification Scheme 2023. Collection method: clinical testing. Allele origin: germline.
Comment: The p.P1348R variant (also known as c.4043C>G), located in coding exon 19 of the WNK2 gene, results from a C to G substitution at nucleotide position 4043. The proline at codon 1348 is replaced by arginine, an amino acid with dissimilar properties. This amino acid position is conserved. In addition, this alteration is predicted to be tolerated by in silico analysis. Based on the available evidence, the clinical significance of this variant remains unclear.

NM_006648.4(WNK2):c.4043C>G (p.Pro1348Arg)

Gene: WNK2 (WNK lysine deficient protein kinase 2; plus strand). Cytogenetic location: 9q22.31.
Variant type: single nucleotide variant.
Coding change: c.4043C>G on transcript NM_006648.4 (MANE Select); coding-DNA position 4043, C replaced by G.
Protein change: p.Pro1348Arg; replaces proline 1348 with arginine.
Molecular consequence: missense variant.
Genome position (GRCh38, 1-based): chr9:93,288,797, C>G. VCF-style: chr9-93288797-C-G. GRCh37 (hg19) VCF-style: chr9-96051079-C-G.
Other names: c.4154C>G, p.Pro1385Arg (NM_001282394.3); short protein forms P1348R, P1385R.
Identifiers: ClinVar variation 3470066 (VCV003470066.1).